The following is an entry in ClinVar:

ClinVar aggregate classification (germline): Uncertain significance (1 of 4 stars; one submission).

Submission:

Ambry Genetics
Classification: Uncertain significance. Last evaluated: 2021-11-16. Review status: criteria provided, single submitter. Criteria: Ambry Variant Classification Scheme 2023. Collection method: clinical testing. Allele origin: germline.
Comment: The p.N1431T variant (also known as c.4292A>C), located in coding exon 39 of the KIF1B gene, results from an A to C substitution at nucleotide position 4292. The asparagine at codon 1431 is replaced by threonine, an amino acid with similar properties. This amino acid position is highly conserved in available vertebrate species. In addition, the in silico prediction for this alteration is inconclusive. Since supporting evidence is limited at this time, the clinical significance of this alteration remains unclear.

NM_001365951.3(KIF1B):c.4430A>C (p.Asn1477Thr)

Gene: KIF1B (kinesin family member 1B; plus strand). Cytogenetic location: 1p36.22.
Variant type: single nucleotide variant.
Coding change: c.4430A>C on transcript NM_001365951.3 (MANE Select); coding-DNA position 4430, A replaced by C.
Protein change: p.Asn1477Thr; replaces asparagine 1477 with threonine.
Molecular consequence: missense variant.
Genome position (GRCh38, 1-based): chr1:10,365,163, A>C. VCF-style: chr1-10365163-A-C. GRCh37 (hg19) VCF-style: chr1-10425221-A-C.
Other names: c.4430A>C, p.Asn1477Thr (NM_001365952.1); c.4292A>C, p.Asn1431Thr (NM_015074.3); short protein forms N1477T, N1431T.
Identifiers: ClinVar variation 1739448 (VCV001739448.2), dbSNP rs2521911304, ClinGen allele CA338320541.